The following is an entry in ClinVar:

ClinVar aggregate classification (germline): Likely benign. Review status: criteria provided, multiple submitters, no conflicts (2 of 4 stars). 5 submissions from 5 submitters: Likely benign (4). 1 of the submissions does not count toward it. Last evaluated 2026-06-01.

Conditions:
TTN-related disorder. Also called: TTN-related condition; TTN-related disease; TTN-related disorders.

Allele frequency attached by ClinVar (database versions not stated): ExAC 0.00002; gnomAD 0.00006 and 0.00007; gnomAD exomes 0.00006; TOPMed 0.00008; ESP Exome Variant Server 0.00015.
gnomAD v4.1: 316 of 1,613,120 alleles (0.02%); highest among the groups gnomAD compares: Non-Finnish European, 0.025%; no homozygotes.

Submissions (5):

CeGaT Center for Human Genetics Tuebingen
Classification: Likely benign. Last evaluated: 2026-06-01. Review status: criteria provided, single submitter. Criteria: CeGaT Center For Human Genetics Tuebingen Variant Classification Criteria Version 2. Collection method: clinical testing. Allele origin: germline. Affected: yes. Observed: 2 variant alleles.
Comment: TTN: BP4, BP7

Blueprint Genetics
Classification: Likely benign. Last evaluated: 2021-12-02. Review status: criteria provided, single submitter. Criteria: ACMG Guidelines, 2015. Collection method: clinical testing. Allele origin: germline.

GeneDx
Classification: Likely benign. Last evaluated: 2016-08-29. Review status: criteria provided, single submitter. Criteria: GeneDx Variant Classification (06012015). Collection method: clinical testing. Allele origin: germline. Affected: yes.
Comment: This variant is considered likely benign or benign based on one or more of the following criteria: it is a conservative change, it occurs at a poorly conserved position in the protein, it is predicted to be benign by multiple in silico algorithms, and/or has population frequency not consistent with disease.

Laboratory for Molecular Medicine, Mass General Brigham Personalized Medicine
Classification: Likely benign. Last evaluated: 2015-03-23. Review status: criteria provided, single submitter. Criteria: LMM Criteria. Collection method: clinical testing. Allele origin: germline. Observed: 2 variant alleles.
Comment: p.Gln5534Gln in exon 45A of TTN: This variant is not expected to have clinical s ignificance because it does not alter an amino acid residue and is not located w ithin the splice consensus sequence. It has been identified in 1/66556 European chromosomes and 1/10364 African chromosomes by the Exome Aggregation Consortium (ExAC; dbSNP rs141624211).

PreventionGenetics, part of Exact Sciences
Classification: Likely benign for TTN-related condition. Last evaluated: 2020-04-17. Review status: no assertion criteria provided. Collection method: clinical testing. Allele origin: germline. Not counted in ClinVar's aggregate classification.
Comment: This variant is classified as likely benign based on ACMG/AMP sequence variant interpretation guidelines (Richards et al. 2015 PMID: 25741868, with internal and published modifications).

NM_133379.5(TTN):c.16602G>A (p.Gln5534=)

Gene: TTN (titin; minus strand). Cytogenetic location: 2q31.2.
Variant type: single nucleotide variant.
Coding change: c.16602G>A on transcript NM_133379.5; coding-DNA position 16602, G replaced by A.
Protein change: p.Gln5534=; no amino-acid change (glutamine 5534 retained).
Molecular consequence: synonymous variant. On other transcripts: intron variant (6).
Genome position (GRCh38, 1-based): chr2:178,745,798, C>T on the plus strand (G>A on the coding strand, the complement: TTN is on the minus strand). VCF-style: chr2-178745798-C-T. GRCh37 (hg19) VCF-style: chr2-179610525-C-T.
Other names: p.Q5534Q:CAG>CAA; c.10361-3877G>A (NM_001256850.1); c.10223-3877G>A (NM_003319.4); c.10799-3877G>A (NM_133437.4); c.10598-3877G>A (NM_133432.3); c.10360+7326G>A (NM_133378.4); c.11312-3877G>A (NM_001267550.2); c.16602G>A (NM_133379.4).
Identifiers: ClinVar variation 203219 (VCV000203219.16), dbSNP rs141624211, ClinGen allele CA311716.